The following is an entry in ClinVar:

ClinVar aggregate classification (germline): Benign. Review status: criteria provided, multiple submitters, no conflicts (2 of 4 stars). 2 submissions from 2 submitters: Benign (2). Last evaluated 2024-07-15.

Submissions (2):

Unidad de Genómica Garrahan, Hospital de Pediatría Garrahan
Classification: Benign. Last evaluated: 2024-07-15. Review status: criteria provided, single submitter. Criteria: ACMG Guidelines, 2015. Collection method: clinical testing. Allele origin: germline. Affected: no. Observed: 69 variant alleles.
Comment: This variant is classified as Benign based on local population frequency. This variant was detected in 74% of patients studied in a panel designed for Epileptic and Developmental Encephalopathy and Progressive Myoclonus Epilepsy. Number of patients: 69. Only high quality variants are reported.

GeneDx
Classification: Benign. Last evaluated: 2019-08-10. Review status: criteria provided, single submitter. Criteria: GeneDx Variant Classification Process June 2021. Collection method: clinical testing. Allele origin: germline. Affected: yes.

NM_000092.5(COL4A4):c.2056+56del

Gene: COL4A4 (collagen type IV alpha 4 chain; minus strand). Cytogenetic location: 2q36.3.
Variant type: Deletion.
Coding change: c.2056+56del on transcript NM_000092.5 (MANE Select); 56 bases into the intron after coding-DNA position 2056, one base deleted (A; older notation c.2056+56delA).
Molecular consequence: intron variant.
Genome position (GRCh38, 1-based): chr2:227,062,474, T deleted on the plus strand (A on the coding strand, the reverse complement: COL4A4 is on the minus strand); the first of 13 consecutive T bases (chr2:227,062,474-227,062,486); deleting any one gives the same sequence. VCF-style (leftmost placement, unchanged base first): chr2-227062473-GT-G. GRCh37 (hg19) VCF-style: chr2-227927189-GT-G.
Identifiers: ClinVar variation 1243849 (VCV001243849.4), dbSNP rs35717623, ClinGen allele CA66589820.